The following is an entry in ClinVar:

NM_001042492.3(NF1):c.4475T>C (p.Val1492Ala)

Gene: NF1 (neurofibromin 1; plus strand). Cytogenetic location: 17q11.2.
Variant type: single nucleotide variant.
Coding change: c.4475T>C on transcript NM_001042492.3 (MANE Select); coding-DNA position 4475, T replaced by C.
Protein change: p.Val1492Ala; replaces valine 1492 with alanine.
Molecular consequence: missense variant.
Genome position (GRCh38, 1-based): chr17:31,260,413, T>C. VCF-style: chr17-31260413-T-C. GRCh37 (hg19) VCF-style: chr17-29587431-T-C.
Other names: c.4412T>C, p.Val1471Ala (NM_000267.4); short protein forms V1492A, V1471A.
Identifiers: ClinVar variation 937195 (VCV000937195.6), dbSNP rs2067663652, ClinGen allele CA398999368.

ClinVar aggregate classification (germline): Uncertain significance (1 of 4 stars; one submission).

Conditions:
Neurofibromatosis, type 1 (NF1). Also called: Peripheral type neurofibromatosis; VON RECKLINGHAUSEN DISEASE; Neurofibromatosis, type I; NEUROFIBROMATOSIS, TYPE I, SOMATIC. Identifiers: Orphanet 636, MedGen C0027831, MONDO:0018975, OMIM 162200. Disease mechanism: loss of function.

Allele frequency attached by ClinVar (database versions not stated): gnomAD exomes below 0.00001.
gnomAD v4.1: 1 of 1,614,032 alleles (0.000062%); highest among the groups gnomAD compares: African/African-American, 0.0013%; no homozygotes.

Submission:

Labcorp Genetics (formerly Invitae), Labcorp
Classification: Uncertain significance for Neurofibromatosis, type 1. Last evaluated: 2024-07-30. Review status: criteria provided, single submitter. Criteria: Invitae Variant Classification Sherloc (09022015). Collection method: clinical testing. Allele origin: germline.
Comment: This sequence change replaces valine, which is neutral and non-polar, with alanine, which is neutral and non-polar, at codon 1471 of the NF1 protein (p.Val1471Ala). This variant is not present in population databases (gnomAD no frequency). This variant has not been reported in the literature in individuals affected with NF1-related conditions. ClinVar contains an entry for this variant (Variation ID: 937195). Advanced modeling of protein sequence and biophysical properties (such as structural, functional, and spatial information, amino acid conservation, physicochemical variation, residue mobility, and thermodynamic stability) performed at Invitae indicates that this missense variant is not expected to disrupt NF1 protein function with a negative predictive value of 95%. In summary, the available evidence is currently insufficient to determine the role of this variant in disease. Therefore, it has been classified as a Variant of Uncertain Significance.